The following is an entry in ClinVar:

ClinVar aggregate classification (germline): Pathogenic (1 of 4 stars; one submission).

Conditions:
Parathyroid carcinoma (PRTC). Also called: CDC73-Related Parathyroid Carcinoma; Parathyroid gland carcinoma. Identifiers: Orphanet 143, MedGen C0687150, MONDO:0012004, OMIM 608266, HP:0006780.

Submission:

Labcorp Genetics (formerly Invitae), Labcorp
Classification: Pathogenic for Parathyroid carcinoma. Last evaluated: 2025-06-11. Review status: criteria provided, single submitter. Criteria: Invitae Variant Classification Sherloc (09022015). Collection method: clinical testing. Allele origin: germline.
Comment: This sequence change creates a premature translational stop signal (p.Asp109Glnfs*21) in the CDC73 gene. It is expected to result in an absent or disrupted protein product. Loss-of-function variants in CDC73 are known to be pathogenic (PMID: 12434154). This variant is not present in population databases (gnomAD no frequency). This variant has not been reported in the literature in individuals affected with CDC73-related conditions. For these reasons, this variant has been classified as Pathogenic.

Literature cited by the submitters: PubMed 12434154.

NM_024529.5(CDC73):c.325_326del (p.Asp109fs)

Gene: CDC73 (cell division cycle 73; plus strand). Cytogenetic location: 1q31.2.
Variant type: Deletion.
Coding change: c.325_326del on transcript NM_024529.5 (MANE Select); coding-DNA positions 325 to 326, 2 bases deleted (GA; older notation c.325_326delGA).
Protein change: p.Asp109fs; shifts the reading frame from aspartic acid 109.
Molecular consequence: frameshift variant.
Genome position (GRCh38, 1-based): chr1:193,135,408-193,135,409, GA deleted; deleting any 2 consecutive bases within chr1:193,135,407-193,135,409 gives the same sequence; the c. name uses the placement nearest the transcript's 3' end. VCF-style (leftmost placement, unchanged base first): chr1-193135406-TAG-T. GRCh37 (hg19) VCF-style: chr1-193104536-TAG-T.
Other names: short protein forms D109fs.
Identifiers: ClinVar variation 4720347 (VCV004720347.1).
Genomic context (GRCh38, chr1:193,135,406, plus strand): 5'-TATGTTGAAATAGTAATCCTTACGTGAATCTTTTTATGTCTTCAGCAACATCGGCAAGTA[TAG>T]ACAGAAGCGCTCCCTTAGAAATAGGTCTTCAGCGATCTACTCAAGGTATGTCTTGTTGCA-3'